The following is an entry in ClinVar:

ClinVar aggregate classification (germline): Uncertain significance. Review status: criteria provided, multiple submitters, no conflicts (2 of 4 stars). 2 submissions from 2 submitters: Uncertain significance (2). Last evaluated 2024-03-19.

Conditions:
Hereditary cancer-predisposing syndrome. Also called: Hereditary neoplastic syndrome; Tumor predisposition; Neoplastic Syndromes, Hereditary; Hereditary Cancer Syndrome. Identifiers: Orphanet 140162, MedGen C0027672, MeSH D009386, MONDO:0015356.
Neuroblastoma, susceptibility to, 3. Also called: ALK-Related Neuroblastic Tumor Susceptibility. Identifiers: Orphanet 635, MedGen C2751681, MONDO:0013083, OMIM 613014.

Allele frequency attached by ClinVar (database versions not stated): gnomAD exomes below 0.00001.
gnomAD v4.1: 1 of 1,612,782 alleles (0.000062%); highest among the groups gnomAD compares: Non-Finnish European, 0.000085%; no homozygotes.

Submissions (2):

Labcorp Genetics (formerly Invitae), Labcorp
Classification: Uncertain significance for Neuroblastoma, susceptibility to, 3. Last evaluated: 2024-03-19. Review status: criteria provided, single submitter. Criteria: Invitae Variant Classification Sherloc (09022015). Collection method: clinical testing. Allele origin: germline.
Comment: This sequence change replaces threonine, which is neutral and polar, with isoleucine, which is neutral and non-polar, at codon 887 of the ALK protein (p.Thr887Ile). This variant is not present in population databases (gnomAD no frequency). This variant has not been reported in the literature in individuals affected with ALK-related conditions. ClinVar contains an entry for this variant (Variation ID: 2447085). An algorithm developed to predict the effect of missense changes on protein structure and function (PolyPhen-2) suggests that this variant is likely to be disruptive. In summary, the available evidence is currently insufficient to determine the role of this variant in disease. Therefore, it has been classified as a Variant of Uncertain Significance.

Ambry Genetics
Classification: Uncertain significance for Hereditary cancer-predisposing syndrome. Last evaluated: 2023-01-18. Review status: criteria provided, single submitter. Criteria: Ambry Variant Classification Scheme 2023. Collection method: clinical testing. Allele origin: germline.
Comment: The p.T887I variant (also known as c.2660C>T), located in coding exon 16 of the ALK gene, results from a C to T substitution at nucleotide position 2660. The threonine at codon 887 is replaced by isoleucine, an amino acid with similar properties. This amino acid position is conserved. In addition, the in silico prediction for this alteration is inconclusive. Since supporting evidence is limited at this time, the clinical significance of this alteration remains unclear.

NM_004304.5(ALK):c.2660C>T (p.Thr887Ile)

Gene: ALK (ALK receptor tyrosine kinase; minus strand). Cytogenetic location: 2p23.2.
Variant type: single nucleotide variant.
Coding change: c.2660C>T on transcript NM_004304.5 (MANE Select); coding-DNA position 2660, C replaced by T.
Protein change: p.Thr887Ile; replaces threonine 887 with isoleucine.
Molecular consequence: missense variant.
Genome position (GRCh38, 1-based): chr2:29,229,039, G>A on the plus strand (C>T on the coding strand, the complement: ALK is on the minus strand). VCF-style: chr2-29229039-G-A. GRCh37 (hg19) VCF-style: chr2-29451905-G-A.
Other names: short protein forms T887I.
Identifiers: ClinVar variation 2447085 (VCV002447085.4), dbSNP rs2465978396, ClinGen allele CA346470029.